The following is an entry in ClinVar:

ClinVar aggregate classification (germline): Uncertain significance (1 of 4 stars; one submission).

Conditions:
Adams-Oliver syndrome 5 (AOS5). Identifiers: Orphanet 974, MedGen C4014970, MONDO:0014459, OMIM 616028.

Submission:

Labcorp Genetics (formerly Invitae), Labcorp
Classification: Uncertain significance for Adams-Oliver syndrome 5. Last evaluated: 2023-04-16. Review status: criteria provided, single submitter. Criteria: Invitae Variant Classification Sherloc (09022015). Collection method: clinical testing. Allele origin: germline.
Comment: This variant has not been reported in the literature in individuals affected with NOTCH1-related conditions. This variant is not present in population databases (gnomAD no frequency). This sequence change replaces leucine, which is neutral and non-polar, with valine, which is neutral and non-polar, at codon 1767 of the NOTCH1 protein (p.Leu1767Val). Advanced modeling of protein sequence and biophysical properties (such as structural, functional, and spatial information, amino acid conservation, physicochemical variation, residue mobility, and thermodynamic stability) performed at Invitae indicates that this missense variant is not expected to disrupt NOTCH1 protein function. In summary, the available evidence is currently insufficient to determine the role of this variant in disease. Therefore, it has been classified as a Variant of Uncertain Significance.

NM_017617.5(NOTCH1):c.5299C>G (p.Leu1767Val)

Gene: NOTCH1 (notch receptor 1; minus strand). Cytogenetic location: 9q34.3.
Variant type: single nucleotide variant.
Coding change: c.5299C>G on transcript NM_017617.5 (MANE Select); coding-DNA position 5299, C replaced by G.
Protein change: p.Leu1767Val; replaces leucine 1767 with valine.
Molecular consequence: missense variant.
Genome position (GRCh38, 1-based): chr9:136,502,357, G>C on the plus strand (C>G on the coding strand, the complement: NOTCH1 is on the minus strand). VCF-style: chr9-136502357-G-C. GRCh37 (hg19) VCF-style: chr9-139396809-G-C.
Other names: short protein forms L1767V.
Identifiers: ClinVar variation 2855046 (VCV002855046.3), dbSNP rs2133331222, ClinGen allele CA375640663.